The following is an entry in ClinVar:

ClinVar aggregate classification (germline): Likely pathogenic (1 of 4 stars; one submission).

Conditions:
Hereditary spastic paraplegia 31. Also called: SPASTIC PARAPLEGIA 31, AUTOSOMAL DOMINANT. Identifiers: Orphanet 101011, MedGen C1853247, MONDO:0012453, OMIM 610250.

Submission:

Division of Genetic & Genomic Pathology, Hong Kong Children's Hospital
Classification: Likely pathogenic for Hereditary spastic paraplegia 31. Last evaluated: 2024-12-12. Review status: criteria provided, single submitter. Criteria: ACMG Guidelines, 2015. Collection method: clinical testing. Allele origin: germline. Affected: yes.
Comment: NM_001371279.1(REEP1):c.60del p.(Tyr21Ilefs*7) is a 1-bp frameshift deletion in exon 2 (out of 9 exons). It is absent in population databases (gnomAD v4.1.0, gnomAD v2.1.1). The variant has been reported in a patient with the pure form of hereditary spastic paraplegia, and was co-segregated in an affected family member (PMID: 18644145). For these reasons, the variant is classified as likely pathogenic.

Literature cited by the submitters: PubMed 18644145.

NM_001371279.1(REEP1):c.60del (p.Tyr21fs)

Gene: REEP1 (receptor accessory protein 1; minus strand). Cytogenetic location: 2p11.2.
Variant type: Deletion.
Coding change: c.60del on transcript NM_001371279.1 (MANE Select); coding-DNA position 60, one base deleted (G; older notation c.60delG).
Protein change: p.Tyr21fs; shifts the reading frame from tyrosine 21.
Molecular consequence: frameshift variant. On other transcripts: intron variant (1).
Genome position (GRCh38, 1-based): chr2:86,282,215, C deleted on the plus strand (G on the coding strand, the reverse complement: REEP1 is on the minus strand). VCF-style (leftmost placement, unchanged base first): chr2-86282214-AC-A. GRCh37 (hg19) VCF-style: chr2-86509337-AC-A.
Other names: c.81del, p.Tyr28fs (NM_001164730.2); c.60del, p.Tyr21fs (NM_001164732.2, NM_001371280.1, NM_001410855.1 and 2 more transcripts); c.25-18174del (NM_001164731.2); short protein forms Y21fs, Y28fs.
Identifiers: ClinVar variation 4884415 (VCV004884415.1).
Genomic context (GRCh38, chr2:86,282,214, plus strand): 5'-ACACAGTGCTACTTACATATTCCTTAATGTCCTTTGATTTCACAGCCTTGTAGGAATAAT[AC>A]GCAGGGTAAAGGGTGCCAAATATAAGCCTGGAGGGAAGAGAGACAAAAATAAATACGATT-3'